The following is an entry in ClinVar:

ClinVar aggregate classification (germline): Uncertain significance (1 of 4 stars; one submission).

Conditions:
Hereditary spastic paraplegia 11. Also called: Nakamura Osame syndrome; Autosomal recessive hereditary spastic paraplegia, mental impairment, and thin corpus callosum; Spastic paraplegia, mental retardation and thin corpus callosum; SPASTIC PARAPLEGIA, AUTOSOMAL RECESSIVE, COMPLICATED, WITH THIN CORPUS CALLOSUM; SPASTIC PARAPLEGIA, AUTOSOMAL RECESSIVE, WITH MENTAL IMPAIRMENT AND THIN CORPUS CALLOSUM; Spastic Paraplegia 11. Identifiers: Orphanet 2822, MedGen C1858479, MONDO:0011445, OMIM 604360.

Submission:

Labcorp Genetics (formerly Invitae), Labcorp
Classification: Uncertain significance for Hereditary spastic paraplegia 11. Last evaluated: 2022-06-20. Review status: criteria provided, single submitter. Criteria: Invitae Variant Classification Sherloc (09022015). Collection method: clinical testing. Allele origin: germline.
Comment: In summary, the available evidence is currently insufficient to determine the role of this variant in disease. Therefore, it has been classified as a Variant of Uncertain Significance. Experimental studies and prediction algorithms are not available or were not evaluated, and the functional significance of this variant is currently unknown. ClinVar contains an entry for this variant (Variation ID: 1060634). This variant has not been reported in the literature in individuals affected with SPG11-related conditions. This variant is not present in population databases (gnomAD no frequency). This variant, c.5305_5316del, results in the deletion of 4 amino acid(s) of the SPG11 protein (p.Met1769_Arg1772del), but otherwise preserves the integrity of the reading frame.

NM_025137.4(SPG11):c.5305_5316del (p.Met1769_Arg1772del)

Gene: SPG11 (SPG11 vesicle trafficking associated, spatacsin; minus strand). Cytogenetic location: 15q21.1.
Variant type: Deletion.
Coding change: c.5305_5316del on transcript NM_025137.4 (MANE Select); coding-DNA positions 5305 to 5316, 12 bases deleted (ATGGAGGAGCGC).
Protein change: p.Met1769_Arg1772del.
Molecular consequence: inframe deletion.
Genome position (GRCh38, 1-based): chr15:44,584,364-44,584,375, GCGCTCCTCCAT deleted on the plus strand (ATGGAGGAGCGC on the coding strand, the reverse complement: SPG11 is on the minus strand); deleting any 12 consecutive bases within chr15:44,584,364-44,584,377 gives the same sequence; the c. name uses the placement nearest the transcript's 3' end. VCF-style (leftmost placement, unchanged base first): chr15-44584363-GGCGCTCCTCCAT-G. GRCh37 (hg19) VCF-style: chr15-44876561-GGCGCTCCTCCAT-G.
Other names: c.5305_5316del, p.Met1769_Arg1772del (NM_001160227.2).
Identifiers: ClinVar variation 1060634 (VCV001060634.9), dbSNP rs2140947284, ClinGen allele CA2499222939.